The following is an entry in ClinVar:

NM_000548.5(TSC2):c.1634T>C (p.Leu545Pro)

Gene: TSC2 (TSC complex subunit 2; plus strand). Cytogenetic location: 16p13.3.
Variant type: single nucleotide variant.
Coding change: c.1634T>C on transcript NM_000548.5 (MANE Select); coding-DNA position 1634, T replaced by C.
Protein change: p.Leu545Pro; replaces leucine 545 with proline.
Molecular consequence: missense variant. On other transcripts: non-coding transcript variant (5).
Genome position (GRCh38, 1-based): chr16:2,065,553, T>C. VCF-style: chr16-2065553-T-C. GRCh37 (hg19) VCF-style: chr16-2115554-T-C.
Other names: c.1724T>C, p.Leu575Pro (NM_001406667.1, NM_001406668.1); c.1523T>C, p.Leu508Pro (NM_001406670.1, NM_001406678.1, NM_001318827.2); c.290T>C, p.Leu97Pro (NM_001406692.1, NM_001406693.1, NM_001406694.1 and 6 more transcripts); c.32T>C, p.Leu11Pro (NM_001406698.1); c.1634T>C, p.Leu545Pro (NM_021055.3, NM_001077183.3, NM_001114382.3 and 6 more transcripts); c.1622T>C, p.Leu541Pro (NM_001406671.1, NM_001406673.1); c.1487T>C, p.Leu496Pro (NM_001406675.1, NM_001406676.1, NM_001406679.1 and 1 more transcripts); c.1577T>C, p.Leu526Pro (NM_001406677.1); and 3 more; short protein forms L345P, L391P, L508P, L541P, L97P, L496P, L526P, L545P.
Identifiers: ClinVar variation 2768975 (VCV002768975.3), dbSNP rs2543470611, ClinGen allele CA394267815.
Genomic context (GRCh38, chr16:2,065,553, plus strand): 5'-TGTAAGTCCTGGCCTTCTCTTCAAAGGTGATGGCCCGCTCCCTCTCCCCACCCCCGGAGC[T>C]GGAAGAAAGGGATGTGGCCGCATACTCGGCCTCCTTGGAGGATGTGAAGACAGCCGTCCT-3'
Protein context (NP_000539.2, residues 535-555): MARSLSPPPE[Leu545Pro]EERDVAAYSA

ClinVar aggregate classification (germline): Uncertain significance (1 of 4 stars; one submission).

Conditions:
Tuberous sclerosis 2 (TSC2). Identifiers: Orphanet 805, MedGen C1860707, MONDO:0013199, OMIM 613254.

Submission:

Labcorp Genetics (formerly Invitae), Labcorp
Classification: Uncertain significance for Tuberous sclerosis 2. Last evaluated: 2025-03-21. Review status: criteria provided, single submitter. Criteria: Invitae Variant Classification Sherloc (09022015). Collection method: clinical testing. Allele origin: germline.
Comment: This sequence change replaces leucine, which is neutral and non-polar, with proline, which is neutral and non-polar, at codon 545 of the TSC2 protein (p.Leu545Pro). This variant is not present in population databases (gnomAD no frequency). This variant has not been reported in the literature in individuals affected with TSC2-related conditions. ClinVar contains an entry for this variant (Variation ID: 2768975). Invitae Evidence Modeling of protein sequence and biophysical properties (such as structural, functional, and spatial information, amino acid conservation, physicochemical variation, residue mobility, and thermodynamic stability) indicates that this missense variant is not expected to disrupt TSC2 protein function with a negative predictive value of 95%. In summary, the available evidence is currently insufficient to determine the role of this variant in disease. Therefore, it has been classified as a Variant of Uncertain Significance.